The following is an entry in ClinVar:

ClinVar aggregate classification (germline): Uncertain significance (1 of 4 stars; one submission).

Conditions:
Blau syndrome (BLAUS). Also called: ARTHROCUTANEOUVEAL GRANULOMATOSIS; GRANULOMATOSIS, FAMILIAL JUVENILE SYSTEMIC; GRANULOMATOSIS, FAMILIAL, BLAU TYPE; GRANULOMATOUS INFLAMMATORY ARTHRITIS, DERMATITIS, AND UVEITIS, FAMILIAL; JABS SYNDROME. Identifiers: Orphanet 90340, MedGen C5201146, MONDO:0008523, OMIM 186580.
Regional enteritis. Also called: Enteritis, Granulomatous. Identifiers: MedGen C0678202, MeSH D003424.

Allele frequency attached by ClinVar (database versions not stated): ExAC 0.00001; gnomAD exomes 0.00001; TOPMed 0.00001.
gnomAD v4.1: 12 of 1,613,646 alleles (0.00074%); highest among the groups gnomAD compares: South Asian, 0.0044%; no homozygotes.

Submission:

Labcorp Genetics (formerly Invitae), Labcorp
Classification: Uncertain significance for Regional enteritis; Blau syndrome. Last evaluated: 2026-01-23. Review status: criteria provided, single submitter. Criteria: Invitae Variant Classification Sherloc (09022015). Collection method: clinical testing. Allele origin: germline.
Comment: This sequence change replaces arginine, which is basic and polar, with histidine, which is basic and polar, at codon 471 of the NOD2 protein (p.Arg471His). The frequency data for this variant in the population databases is considered unreliable, as metrics indicate poor data quality at this position in the gnomAD database. This variant has not been reported in the literature in individuals affected with NOD2-related conditions. ClinVar contains an entry for this variant (Variation ID: 1981254). Invitae Evidence Modeling of protein sequence and biophysical properties (such as structural, functional, and spatial information, amino acid conservation, physicochemical variation, residue mobility, and thermodynamic stability) indicates that this missense variant is not expected to disrupt NOD2 protein function with a negative predictive value of 95%. In summary, the available evidence is currently insufficient to determine the role of this variant in disease. Therefore, it has been classified as a Variant of Uncertain Significance.

NM_001370466.1(NOD2):c.1331G>A (p.Arg444His)

Gene: NOD2 (nucleotide binding oligomerization domain containing 2; plus strand). Cytogenetic location: 16q12.1.
Variant type: single nucleotide variant.
Coding change: c.1331G>A on transcript NM_001370466.1 (MANE Select); coding-DNA position 1331, G replaced by A.
Protein change: p.Arg444His; replaces arginine 444 with histidine.
Molecular consequence: missense variant. On other transcripts: non-coding transcript variant (1).
Genome position (GRCh38, 1-based): chr16:50,711,323, G>A. VCF-style: chr16-50711323-G-A. GRCh37 (hg19) VCF-style: chr16-50745234-G-A.
Other names: c.1331G>A, p.Arg444His (NM_001293557.2); c.1412G>A, p.Arg471His (NM_022162.3); short protein forms R444H, R471H.
Identifiers: ClinVar variation 1981254 (VCV001981254.4), dbSNP rs764414933, ClinGen allele CA8051542.